The following is an entry in ClinVar:

ClinVar aggregate classification (germline): Uncertain significance (1 of 4 stars; one submission).

gnomAD v4.1: 5 of 1,613,948 alleles (0.00031%); highest among the groups gnomAD compares: East Asian, 0.011%; no homozygotes.

Submission:

Women's Health and Genetics/Laboratory Corporation of America, LabCorp
Classification: Uncertain significance. Last evaluated: 2024-11-26. Review status: criteria provided, single submitter. Criteria: LabCorp Variant Classification Summary - May 2015. Collection method: clinical testing. Allele origin: germline.
Comment: Variant summary: CLCNKB c.1171T>C (p.Trp391Arg) results in a non-conservative amino acid change in the encoded protein sequence. Five of five in-silico tools predict a damaging effect of the variant on protein function. The variant allele was found at a frequency of 4e-05 in 251320 control chromosomes (gnomAD). This frequency is not significantly higher than estimated for a pathogenic variant in CLCNKB causing Bartter Syndrome, Type 3 (4e-05 vs 0.0011), allowing no conclusion about variant significance. c.1171T>C has been reported in the literature in three homozygous individuals from a Chinese family affected with Bartter Syndrome, Type 3. Two of these individuals also carried a SLC12A3 homozygous variant and presented with a mixed phenotype of Gitelman syndrome and Bartter syndrome type III (Mou_2021). These data indicate that the variant may be associated with disease. To our knowledge, no experimental evidence demonstrating an impact on protein function has been reported. The following publications have been ascertained in the context of this evaluation (PMID: 33163079, 33807568). No submitters have cited clinical-significance assessments for this variant to ClinVar. Based on the evidence outlined above, the variant was classified as VUS-possibly pathogenic.

Literature cited by the submitters: PubMed 33163079; PubMed 33807568.

NM_000085.5(CLCNKB):c.1171T>C (p.Trp391Arg)

Genes: CLCNKB (chloride voltage-gated channel Kb; plus strand), LOC106501713 (CLCNKB recombination region; plus strand). Cytogenetic location: 1p36.13.
Variant type: single nucleotide variant.
Coding change: c.1171T>C on transcript NM_000085.5 (MANE Select); coding-DNA position 1171, T replaced by C.
Protein change: p.Trp391Arg; replaces tryptophan 391 with arginine.
Molecular consequence: missense variant.
Genome position (GRCh38, 1-based): chr1:16,050,992, T>C. VCF-style: chr1-16050992-T-C. GRCh37 (hg19) VCF-style: chr1-16377487-T-C.
Other names: c.664T>C, p.Trp222Arg (NM_001165945.2); short protein forms W222R, W391R.
Identifiers: ClinVar variation 3629546 (VCV003629546.2).